The following is an entry in ClinVar:

ClinVar aggregate classification (germline): Uncertain significance (1 of 4 stars; one submission).

Allele frequency attached by ClinVar (database versions not stated): gnomAD exomes below 0.00001.
gnomAD v4.1: 3 of 1,525,214 alleles (0.0002%); highest among the groups gnomAD compares: Non-Finnish European, 0.000087%; no homozygotes.

Submission:

Labcorp Genetics (formerly Invitae), Labcorp
Classification: Uncertain significance. Last evaluated: 2025-08-18. Review status: criteria provided, single submitter. Criteria: Invitae Variant Classification Sherloc (09022015). Collection method: clinical testing. Allele origin: germline.
Comment: This sequence change replaces serine, which is neutral and polar, with glycine, which is neutral and non-polar, at codon 2473 of the SPEG protein (p.Ser2473Gly). The frequency data for this variant in the population databases is considered unreliable, as metrics indicate poor data quality at this position in the gnomAD database. This variant has not been reported in the literature in individuals affected with SPEG-related conditions. ClinVar contains an entry for this variant (Variation ID: 1930338). An algorithm developed to predict the effect of missense changes on protein structure and function (PolyPhen-2) suggests that this variant is likely to be disruptive. In summary, the available evidence is currently insufficient to determine the role of this variant in disease. Therefore, it has been classified as a Variant of Uncertain Significance.

NM_005876.5(SPEG):c.7417A>G (p.Ser2473Gly)

Genes: ASIC4-AS1 (ASIC4 antisense RNA 1; minus strand), SPEG (striated muscle enriched protein kinase; plus strand). Cytogenetic location: 2q35.
Variant type: single nucleotide variant.
Coding change: c.7417A>G on transcript NM_005876.5 (MANE Select); coding-DNA position 7417, A replaced by G.
Protein change: p.Ser2473Gly; replaces serine 2473 with glycine.
Molecular consequence: missense variant.
Genome position (GRCh38, 1-based): chr2:219,484,880, A>G. VCF-style: chr2-219484880-A-G. GRCh37 (hg19) VCF-style: chr2-220349602-A-G.
Other names: short protein forms S2473G.
Identifiers: ClinVar variation 1930338 (VCV001930338.5), dbSNP rs1369821011, ClinGen allele CA350702383.